The following is an entry in ClinVar:

NM_012469.4(PRPF6):c.2570T>C (p.Ile857Thr)

Gene: PRPF6 (pre-mRNA processing factor 6; plus strand). Cytogenetic location: 20q13.33.
Variant type: single nucleotide variant.
Coding change: c.2570T>C on transcript NM_012469.4 (MANE Select); coding-DNA position 2570, T replaced by C.
Protein change: p.Ile857Thr; replaces isoleucine 857 with threonine.
Molecular consequence: missense variant.
Genome position (GRCh38, 1-based): chr20:64,031,941, T>C. VCF-style: chr20-64031941-T-C. GRCh37 (hg19) VCF-style: chr20-62663294-T-C.
Other names: short protein forms I857T.
Identifiers: ClinVar variation 3679115 (VCV003679115.2).

ClinVar aggregate classification (germline): Uncertain significance (1 of 4 stars; one submission).

gnomAD v4.1: 2 of 1,614,094 alleles (0.00012%); highest among the groups gnomAD compares: Non-Finnish European, 0.00017%; no homozygotes.

Submission:

Labcorp Genetics (formerly Invitae), Labcorp
Classification: Uncertain significance. Last evaluated: 2025-01-29. Review status: criteria provided, single submitter. Criteria: Invitae Variant Classification Sherloc (09022015). Collection method: clinical testing. Allele origin: germline.
Comment: This sequence change replaces isoleucine, which is neutral and non-polar, with threonine, which is neutral and polar, at codon 857 of the PRPF6 protein (p.Ile857Thr). This variant is present in population databases (no rsID available, gnomAD 0.0009%). This variant has not been reported in the literature in individuals affected with PRPF6-related conditions. Invitae Evidence Modeling of protein sequence and biophysical properties (such as structural, functional, and spatial information, amino acid conservation, physicochemical variation, residue mobility, and thermodynamic stability) indicates that this missense variant is not expected to disrupt PRPF6 protein function with a negative predictive value of 80%. In summary, the available evidence is currently insufficient to determine the role of this variant in disease. Therefore, it has been classified as a Variant of Uncertain Significance.